The following is an entry in ClinVar:

ClinVar aggregate classification (germline): Uncertain significance (1 of 4 stars; one submission).

Conditions:
Acromesomelic dysplasia 1, Maroteaux type (AMD1). Also called: ST. HELENA DYSPLASIA; ACROMESOMELIC DYSPLASIA 1. Identifiers: Orphanet 40, MedGen C1864356, MONDO:0011275, OMIM 602875.
Tall stature-scoliosis-macrodactyly of the great toes syndrome. Also called: Epiphyseal chondrodysplasia, miura type. Identifiers: Orphanet 329191, MedGen C4014690, MONDO:0014401, OMIM 615923.

gnomAD v4.1: 75 of 1,614,092 alleles (0.0046%); highest among the groups gnomAD compares: Non-Finnish European, 0.0059%; no homozygotes.

Submission:

Labcorp Genetics (formerly Invitae), Labcorp
Classification: Uncertain significance for Tall stature-scoliosis-macrodactyly of the great toes syndrome; Acromesomelic dysplasia 1, Maroteaux type. Last evaluated: 2024-09-10. Review status: criteria provided, single submitter. Criteria: Invitae Variant Classification Sherloc (09022015). Collection method: clinical testing. Allele origin: germline.
Comment: This sequence change replaces arginine, which is basic and polar, with histidine, which is basic and polar, at codon 932 of the NPR2 protein (p.Arg932His). This variant is present in population databases (rs150358845, gnomAD 0.01%). This variant has not been reported in the literature in individuals affected with NPR2-related conditions. Invitae Evidence Modeling of protein sequence and biophysical properties (such as structural, functional, and spatial information, amino acid conservation, physicochemical variation, residue mobility, and thermodynamic stability) has been performed for this missense variant. However, the output from this modeling did not meet the statistical confidence thresholds required to predict the impact of this variant on NPR2 protein function. In summary, the available evidence is currently insufficient to determine the role of this variant in disease. Therefore, it has been classified as a Variant of Uncertain Significance.

NM_003995.4(NPR2):c.2795G>A (p.Arg932His)

Genes: NPR2 (natriuretic peptide receptor 2; plus strand), SPAG8 (sperm associated antigen 8; minus strand). Cytogenetic location: 9p13.3.
Variant type: single nucleotide variant.
Coding change: c.2795G>A on transcript NM_003995.4 (MANE Select); coding-DNA position 2795, G replaced by A.
Protein change: p.Arg932His; replaces arginine 932 with histidine.
Molecular consequence: missense variant. On other transcripts: intron variant (2).
Genome position (GRCh38, 1-based): chr9:35,808,591, G>A. VCF-style: chr9-35808591-G-A. GRCh37 (hg19) VCF-style: chr9-35808588-G-A.
Other names: c.2804G>A, p.Arg935His (NM_001378923.1); c.1201-285C>T (NM_001366760.2); c.1373-285C>T (NM_172312.2); short protein forms R932H, R935H.
Identifiers: ClinVar variation 3752447 (VCV003752447.2).